The following is an entry in ClinVar:

NM_003079.5(SMARCE1):c.577A>G (p.Thr193Ala)

Gene: SMARCE1 (SWI/SNF related BAF chromatin remodeling complex subunit E1; minus strand). Cytogenetic location: 17q21.2.
Variant type: single nucleotide variant.
Coding change: c.577A>G on transcript NM_003079.5 (MANE Select); coding-DNA position 577, A replaced by G.
Protein change: p.Thr193Ala; replaces threonine 193 with alanine.
Molecular consequence: missense variant.
Genome position (GRCh38, 1-based): chr17:40,632,332, T>C on the plus strand (A>G on the coding strand, the complement: SMARCE1 is on the minus strand). VCF-style: chr17-40632332-T-C. GRCh37 (hg19) VCF-style: chr17-38788584-T-C.
Other names: short protein forms T193A.
Identifiers: ClinVar variation 1749591 (VCV001749591.6), dbSNP rs1356156358, ClinGen allele CA399364834.

ClinVar aggregate classification (germline): Conflicting classifications of pathogenicity. Review status: criteria provided, conflicting classifications (1 of 4 stars). 3 submissions from 3 submitters: Uncertain significance (2); Likely benign (1). Last evaluated 2025-05-30.

Conditions:
Hereditary cancer-predisposing syndrome. Also called: Hereditary Cancer Syndrome; Hereditary neoplastic syndrome; Neoplastic Syndromes, Hereditary; Tumor predisposition. Identifiers: Orphanet 140162, MedGen C0027672, MeSH D009386, MONDO:0015356.
Familial meningioma. Also called: Meningioma, familial, susceptibility to. Identifiers: Orphanet 263662, MedGen C3551915, MONDO:0011789, OMIM 607174.

Allele frequency attached by ClinVar (database versions not stated): TOPMed below 0.00001.

Submissions (3):

GeneDx
Classification: Uncertain significance. Last evaluated: 2025-05-30. Review status: criteria provided, single submitter. Criteria: GeneDx Variant Classification Process June 2021. Collection method: clinical testing. Allele origin: germline. Affected: yes.
Comment: Not observed at significant frequency in large population cohorts (gnomAD); In silico analysis suggests that this missense variant does not alter protein structure/function; Has not been previously published as pathogenic or benign to our knowledge; This variant is associated with the following publications: (PMID: 19245665)

Labcorp Genetics (formerly Invitae), Labcorp
Classification: Uncertain significance for Familial meningioma. Last evaluated: 2025-01-07. Review status: criteria provided, single submitter. Criteria: Invitae Variant Classification Sherloc (09022015). Collection method: clinical testing. Allele origin: germline.
Comment: This sequence change replaces threonine, which is neutral and polar, with alanine, which is neutral and non-polar, at codon 193 of the SMARCE1 protein (p.Thr193Ala). This variant is not present in population databases (gnomAD no frequency). This variant has not been reported in the literature in individuals affected with SMARCE1-related conditions. ClinVar contains an entry for this variant (Variation ID: 1749591). Invitae Evidence Modeling of protein sequence and biophysical properties (such as structural, functional, and spatial information, amino acid conservation, physicochemical variation, residue mobility, and thermodynamic stability) indicates that this missense variant is not expected to disrupt SMARCE1 protein function with a negative predictive value of 80%. In summary, the available evidence is currently insufficient to determine the role of this variant in disease. Therefore, it has been classified as a Variant of Uncertain Significance.

Ambry Genetics
Classification: Likely benign for Hereditary cancer-predisposing syndrome. Last evaluated: 2024-11-15. Review status: criteria provided, single submitter. Criteria: Ambry Variant Classification Scheme 2023. Collection method: clinical testing. Allele origin: germline.